The following is an entry in ClinVar:

NM_001563.4(IMPG1):c.1825C>T (p.Leu609=)

Gene: IMPG1 (interphotoreceptor matrix proteoglycan 1; minus strand). Cytogenetic location: 6q14.1.
Variant type: single nucleotide variant.
Coding change: c.1825C>T on transcript NM_001563.4 (MANE Select); coding-DNA position 1825, C replaced by T.
Protein change: p.Leu609=; no amino-acid change (leucine 609 retained).
Molecular consequence: synonymous variant.
Genome position (GRCh38, 1-based): chr6:75,947,533, G>A on the plus strand (C>T on the coding strand, the complement: IMPG1 is on the minus strand). VCF-style: chr6-75947533-G-A. GRCh37 (hg19) VCF-style: chr6-76657250-G-A.
Other names: c.1591C>T, p.Leu531= (NM_001282368.2).
Identifiers: ClinVar variation 4777356 (VCV004777356.1).

ClinVar aggregate classification (germline): Uncertain significance (1 of 4 stars; one submission).

gnomAD v4.1: 1 of 1,608,222 alleles (0.000062%); no homozygotes.

Submission:

Labcorp Genetics (formerly Invitae), Labcorp
Classification: Uncertain significance. Last evaluated: 2025-03-10. Review status: criteria provided, single submitter. Criteria: Invitae Variant Classification Sherloc (09022015). Collection method: clinical testing. Allele origin: germline.
Comment: This sequence change affects codon 609 of the IMPG1 mRNA. It is a 'silent' change, meaning that it does not change the encoded amino acid sequence of the IMPG1 protein. It affects a nucleotide within the consensus splice site. This variant is not present in population databases (gnomAD no frequency). This variant has not been reported in the literature in individuals affected with IMPG1-related conditions. Algorithms developed to predict the effect of sequence changes on RNA splicing suggest that this variant is not likely to affect RNA splicing. In summary, the available evidence is currently insufficient to determine the role of this variant in disease. Therefore, it has been classified as a Variant of Uncertain Significance.